The following is an entry in ClinVar:

ClinVar aggregate classification (germline): Pathogenic. Review status: criteria provided, multiple submitters, no conflicts (2 of 4 stars). 3 submissions from 3 submitters: Pathogenic (3). Last evaluated 2026-02-04.

Conditions:
Hereditary cancer-predisposing syndrome. Also called: Neoplastic Syndromes, Hereditary; Hereditary Cancer Syndrome; Hereditary neoplastic syndrome; Tumor predisposition. Identifiers: Orphanet 140162, MedGen C0027672, MeSH D009386, MONDO:0015356.
Hereditary leiomyomatosis and renal cell cancer. Also called: LEIOMYOMA, MULTIPLE CUTANEOUS; MULTIPLE CUTANEOUS AND UTERINE LEIOMYOMATA 1, WITH OR WITHOUT RENAL CELL CARCINOMA; Reed syndrome; Multiple cutaneous and uterine leiomyomatosis; Cutaneous leiomyomata with uterine leiomyomata; Leiomyoma, hereditary multiple, of skin. Identifiers: Orphanet 523, MedGen C1708350, MONDO:0007888, OMIM 150800, HP:0007437. Disease mechanism: loss of function.

Allele frequency attached by ClinVar (database versions not stated): gnomAD exomes below 0.00001.

Submissions (3):

Ambry Genetics
Classification: Pathogenic for Hereditary cancer-predisposing syndrome. Last evaluated: 2026-02-04. Review status: criteria provided, single submitter. Criteria: Ambry Variant Classification Scheme 2023. Collection method: clinical testing. Allele origin: germline.
Comment: The c.722_738+3del20 pathogenic mutation results from a deletion of 20 nucleotides between coding exon 5 and intron 5 of the FH gene. This nucleotide region is well conserved in available vertebrate species. This alteration has been observed in at least one individual with a personal and/or family history that is consistent with FH-related disease (Ambry internal data).In silico splice site analysis predicts that this alteration will weaken the native splice donor site and may result in the creation or strengthening of a novel splice acceptor site. This variant is considered to be rare based on population cohorts in the Genome Aggregation Database (gnomAD). Variants that disrupt the canonical splice site are expected to cause aberrant splicing, resulting in an abnormal protein or a transcript that is subject to nonsense-mediated mRNA decay. As such, this variant is classified as a disease-causing mutation.

Labcorp Genetics (formerly Invitae), Labcorp
Classification: Pathogenic. Last evaluated: 2025-11-11. Review status: criteria provided, single submitter. Criteria: Invitae Variant Classification Sherloc (09022015). Collection method: clinical testing. Allele origin: germline.
Comment: This variant results in the deletion of part of exon 5 (c.722_738+3del) of the FH gene. It is expected to disrupt RNA splicing. Variants that disrupt the donor or acceptor splice site typically lead to a loss of protein function (PMID: 16199547), and loss-of-function variants in FH are known to be pathogenic (PMID: 11865300, 21398687). This variant is not present in population databases (gnomAD no frequency). This variant has been observed in individual(s) with multiple cutaneous leiomyomas (PMID: 26173633; internal data). ClinVar contains an entry for this variant (Variation ID: 393570). For these reasons, this variant has been classified as Pathogenic.

Genomic Diagnostic Laboratory, Division of Genomic Diagnostics, Children's Hospital of Philadelphia
Classification: Pathogenic for Hereditary leiomyomatosis and renal cell cancer. Last evaluated: 2017-01-17. Review status: criteria provided, single submitter. Criteria: DGD Variant Analysis Guidelines. Collection method: clinical testing. Allele origin: germline. Affected: yes. Observed: 1 variant allele.
Comment: Clinical Testing

Literature cited by the submitters: PubMed 16199547 (cited by Labcorp Genetics (formerly Invitae), Labcorp); PubMed 11865300 (cited by Labcorp Genetics (formerly Invitae), Labcorp); PubMed 21398687 (cited by Labcorp Genetics (formerly Invitae), Labcorp); PubMed 26173633 (cited by Labcorp Genetics (formerly Invitae), Labcorp).

NM_000143.4(FH):c.722_738+3del

Gene: FH (fumarate hydratase; minus strand). Cytogenetic location: 1q43.
Variant type: Deletion.
Coding change: c.722_738+3del on transcript NM_000143.4 (MANE Select); coding-DNA position 722 through 3 bases into the intron after coding-DNA position 738, 20 bases deleted (CACTTACTCTTGGGCAGGTA).
Molecular consequence: splice donor variant.
Genome position (GRCh38, 1-based): chr1:241,508,600-241,508,619, TACCTGCCCAAGAGTAAGTG deleted on the plus strand (CACTTACTCTTGGGCAGGTA on the coding strand, the reverse complement: FH is on the minus strand). VCF-style (leftmost placement, unchanged base first): chr1-241508599-ATACCTGCCCAAGAGTAAGTG-A. GRCh37 (hg19) VCF-style: chr1-241671899-ATACCTGCCCAAGAGTAAGTG-A.
Other names: c.722_738+3del20 (NM_000143.3).
Identifiers: ClinVar variation 393570 (VCV000393570.14), dbSNP rs1064792900, ClinGen allele CA16609369.